The following is an entry in ClinVar:

NC_000007.13:g.(?_128470692)_(128694824_?)dup

Genes: TNPO3 (transportin 3; minus strand), ATP6V1F (ATPase H+ transporting V1 subunit F; plus strand), FLNC (filamin C; plus strand), KCP (kielin cysteine rich BMP regulator; minus strand), IRF5 (interferon regulatory factor 5; plus strand). Cytogenetic location: 7q32.1.
Variant type: Duplication.
Identifiers: ClinVar variation 1375554 (VCV001375554.8).

ClinVar aggregate classification (germline): Uncertain significance. Review status: criteria provided, single submitter (1 of 4 stars). 2 submissions from 1 submitter: Uncertain significance (2). Last evaluated 2022-10-12.

Conditions:
Autosomal dominant limb-girdle muscular dystrophy type 1F (LGMDD2). Also called: MUSCULAR DYSTROPHY, LIMB-GIRDLE, AUTOSOMAL DOMINANT 2; Limb-girdle muscular dystrophy, type 1F. Identifiers: Orphanet 55595, MedGen C1842062, MONDO:0012034, OMIM 608423.
Myofibrillar myopathy 5. Also called: Filaminopathy (type); FILAMINOPATHY, AUTOSOMAL DOMINANT. Identifiers: Orphanet 171445, MedGen C1836050, MONDO:0012289, OMIM 609524.
Distal myopathy with posterior leg and anterior hand involvement. Also called: WILLIAMS DISTAL MYOPATHY. Identifiers: Orphanet 63273, MedGen C3279722, MONDO:0013550, OMIM 614065.
Hypertrophic cardiomyopathy 26. Also called: Cardiomyopathy, familial hypertrophic, 26. Identifiers: Orphanet 75249, MedGen C4310749, MONDO:0014883, OMIM 617047.
Dilated Cardiomyopathy, Dominant.

Submissions (2):

Labcorp Genetics (formerly Invitae), Labcorp
Classification: Uncertain significance for Distal myopathy with posterior leg and anterior hand involvement; Myofibrillar myopathy 5; Hypertrophic cardiomyopathy 26. Last evaluated: 2022-10-12. Review status: criteria provided, single submitter. Criteria: Invitae Variant Classification Sherloc (09022015). Collection method: clinical testing. Allele origin: germline.
Comment: A copy number gain of the genomic region encompassing the full coding sequence of the FLNC gene has been identified. The boundaries of this event are unknown as they extend beyond the assayed region for this gene and therefore may encompass additional genes. As the precise location of this event is unknown, it may be in tandem or it may be located elsewhere in the genome. This variant has not been reported in the literature in individuals affected with FLNC-related conditions. In summary, the available evidence is currently insufficient to determine the role of this variant in disease. Therefore, it has been classified as a Variant of Uncertain Significance.

Labcorp Genetics (formerly Invitae), Labcorp
Classification: Uncertain significance for Autosomal dominant limb-girdle muscular dystrophy type 1F. Last evaluated: 2022-08-16. Review status: criteria provided, single submitter. Criteria: Invitae Variant Classification Sherloc (09022015). Collection method: clinical testing. Allele origin: germline.
Comment: In summary, the available evidence is currently insufficient to determine the role of this variant in disease. Therefore, it has been classified as a Variant of Uncertain Significance. This variant has not been reported in the literature in individuals affected with TNPO3-related conditions. A copy number gain of the genomic region encompassing the full coding sequence of the TNPO3 gene has been identified. The boundaries of this event are unknown as they extend beyond the assayed region for this gene and therefore may encompass additional genes. As the precise location of this event is unknown, it may be in tandem or it may be located elsewhere in the genome.